The following is an entry in ClinVar:

NM_007294.4(BRCA1):c.412_418del (p.Leu138fs)

Gene: BRCA1 (BRCA1 DNA repair associated; minus strand). Cytogenetic location: 17q21.31.
Variant type: Deletion.
Coding change: c.412_418del on transcript NM_007294.4 (MANE Select); coding-DNA positions 412 to 418, 7 bases deleted (CTACAGA; older notation c.412_418delCTACAGA).
Protein change: p.Leu138fs; shifts the reading frame from leucine 138.
Molecular consequence: frameshift variant. On other transcripts: non-coding transcript variant (1).
Genome position (GRCh38, 1-based): chr17:43,104,145-43,104,151, TCTGTAG deleted on the plus strand (CTACAGA on the coding strand, the reverse complement: BRCA1 is on the minus strand). VCF-style (leftmost placement, unchanged base first): chr17-43104144-CTCTGTAG-C. GRCh37 (hg19) VCF-style: chr17-41256161-CTCTGTAG-C.
Other names: 531del7; c.202_208delCTACAGA, p.Leu68Valfs (NM_001407571.1, NM_001407853.1, NM_001407879.1 and 58 more transcripts); c.412_418delCTACAGA, p.Leu138Valfs (NM_001407581.1, NM_001407582.1, NM_001407583.1 and 163 more transcripts); c.403_409delCTACAGA, p.Leu135Valfs (NM_001407646.1, NM_001407647.1, NM_001408408.1); c.334_340delCTACAGA, p.Leu112Valfs (NM_001407653.1, NM_001407654.1, NM_001407655.1 and 21 more transcripts); c.271_277delCTACAGA, p.Leu91Valfs (NM_001407692.1, NM_001407694.1, NM_001407695.1 and 98 more transcripts); c.31_37delCTACAGA, p.Leu11Valfs (NM_001407959.1, NM_001407960.1, NM_001407962.1 and 4 more transcripts); c.280_286delCTACAGA, p.Leu94Valfs (NM_001408451.1); and 2 more; short protein forms L91fs, L138fs.
Identifiers: ClinVar variation 55109 (VCV000055109.3), dbSNP rs80357816, ClinGen allele CA002645.

ClinVar aggregate classification (germline): Pathogenic. Review status: reviewed by expert panel (3 of 4 stars). 2 submissions from 2 submitters: Pathogenic (1). 1 of the submissions does not count toward it. Last evaluated 2016-09-08.

Conditions:
Breast-ovarian cancer, familial, susceptibility to, 1 (BROVCA1). Also called: BRCA1 Hereditary Breast and Ovarian Cancer; OVARIAN CANCER, SUSCEPTIBILITY TO. Identifiers: Orphanet 145, MedGen C2676676, MONDO:0011450, OMIM 604370. Disease mechanism: loss of function.

Submissions (2):

Evidence-based Network for the Interpretation of Germline Mutant Alleles (ENIGMA)
Classification: Pathogenic for Breast-ovarian cancer, familial, susceptibility to, 1. Last evaluated: 2016-09-08. Review status: reviewed by expert panel. Criteria: ENIGMA BRCA1/2 Classification Criteria (2015). Collection method: curation. Allele origin: germline.
Comment: Variant allele predicted to encode a truncated non-functional protein.

Breast Cancer Information Core (BIC) (BRCA1)
Classification: Pathogenic for Breast-ovarian cancer, familial 1. Last evaluated: 2002-05-29. Review status: no assertion criteria provided. Collection method: clinical testing. Allele origin: germline. Affected: yes. Observed: 1 variant allele. Not counted in ClinVar's aggregate classification.